The following is an entry in ClinVar:

NM_017671.5(FERMT1):c.1290T>A (p.Asn430Lys)

Gene: FERMT1 (FERM domain containing kindlin 1; minus strand). Cytogenetic location: 20p12.3.
Variant type: single nucleotide variant.
Coding change: c.1290T>A on transcript NM_017671.5 (MANE Select); coding-DNA position 1290, T replaced by A.
Protein change: p.Asn430Lys; replaces asparagine 430 with lysine.
Molecular consequence: missense variant.
Genome position (GRCh38, 1-based): chr20:6,087,858, A>T on the plus strand (T>A on the coding strand, the complement: FERMT1 is on the minus strand). VCF-style: chr20-6087858-A-T. GRCh37 (hg19) VCF-style: chr20-6068505-A-T.
Other names: short protein forms N430K.
Identifiers: ClinVar variation 2130043 (VCV002130043.4), dbSNP rs2514693057, ClinGen allele CA408180118.

ClinVar aggregate classification (germline): Uncertain significance (1 of 4 stars; one submission).

Submission:

Labcorp Genetics (formerly Invitae), Labcorp
Classification: Uncertain significance. Last evaluated: 2022-04-24. Review status: criteria provided, single submitter. Criteria: Invitae Variant Classification Sherloc (09022015). Collection method: clinical testing. Allele origin: germline.
Comment: Algorithms developed to predict the effect of missense changes on protein structure and function (SIFT, PolyPhen-2, Align-GVGD) all suggest that this variant is likely to be disruptive. This sequence change replaces asparagine, which is neutral and polar, with lysine, which is basic and polar, at codon 430 of the FERMT1 protein (p.Asn430Lys). This variant is not present in population databases (gnomAD no frequency). This variant has not been reported in the literature in individuals affected with FERMT1-related conditions. In summary, the available evidence is currently insufficient to determine the role of this variant in disease. Therefore, it has been classified as a Variant of Uncertain Significance.